The following is an entry in ClinVar:

ClinVar aggregate classification (germline): Likely pathogenic (1 of 4 stars; one submission).

Conditions:
RPGR-related disorder. Also called: RPGR-related condition.

Submission:

3billion
Classification: Likely pathogenic for RPGR-related disorder. Last evaluated: 2024-08-29. Review status: criteria provided, single submitter. Criteria: ACMG Guidelines, 2015. Collection method: clinical testing. Allele origin: germline. Affected: yes.
Comment: The variant is not observed in the gnomAD v4.0.0 dataset. Predicted Consequence/Location: Frameshift: predicted to result in a loss or disruption of normal protein function through protein truncation. Multiple pathogenic variants are reported in the predicted truncated region. Therefore, this variant is classified as Likely pathogenic according to the recommendation of ACMG/AMP guideline.

NM_001034853.2(RPGR):c.2840_2841insAGGGGAGGATGGAGAAGGA (p.Glu950fs)

Gene: RPGR (retinitis pigmentosa GTPase regulator; minus strand). Cytogenetic location: Xp11.4.
Variant type: Insertion.
Coding change: c.2840_2841insAGGGGAGGATGGAGAAGGA on transcript NM_001034853.2 (MANE Select); coding-DNA positions 2840 to 2841, AGGGGAGGATGGAGAAGGA inserted.
Protein change: p.Glu950fs; shifts the reading frame from glutamic acid 950.
Molecular consequence: frameshift variant. On other transcripts: intron variant (8).
Genome position: GRCh38 VCF-style: chrX-38286158-C-CTCCTTCTCCATCCTCCCCT. GRCh37 (hg19) VCF-style: chrX-38145411-C-CTCCTTCTCCATCCTCCCCT.
Other names: c.1569+4800_1569+4801insGGAAGGGGAGGATGGAGAA (NM_001367249.1, NM_001367250.1); c.1902+935_1902+936insGGAAGGGGAGGATGGAGAA (NM_001367245.1); c.1386+4800_1386+4801insGGAAGGGGAGGATGGAGAA (NM_001367251.1); c.1719+935_1719+936insGGAAGGGGAGGATGGAGAA (NM_001367246.1); c.1572+4800_1572+4801insGGAAGGGGAGGATGGAGAA (NM_001367247.1); c.1905+935_1905+936insGGAAGGGGAGGATGGAGAA (NM_000328.3); c.1602+4800_1602+4801insGGAAGGGGAGGATGGAGAA (NM_001367248.1); short protein forms E950fs.
Identifiers: ClinVar variation 4292469 (VCV004292469.1).